The following is an entry in ClinVar:

ClinVar aggregate classification (germline): Uncertain significance. Review status: criteria provided, multiple submitters, no conflicts (2 of 4 stars). 3 submissions from 3 submitters: Uncertain significance (2). 1 of the submissions does not count toward it. Last evaluated 2022-01-07.

Conditions:
Luscan-Lumish syndrome. Identifiers: Orphanet 597738, MedGen C4085873, MONDO:0014791, OMIM 616831.

Allele frequency attached by ClinVar (database versions not stated): gnomAD 0.00001; 1000 Genomes Project 0.00020; gnomAD exomes 0.00006 and 0.00003; 1000 Genomes Project 30x 0.00016; ExAC 0.00018.
gnomAD v4.1: 41 of 1,551,782 alleles (0.0026%); highest among the groups gnomAD compares: South Asian, 0.046%; no homozygotes.

Submissions (3):

New York Genome Center
Classification: Uncertain significance for Luscan-Lumish syndrome. Last evaluated: 2022-01-07. Review status: criteria provided, single submitter. Criteria: NYGC Assertion Criteria 2020. Collection method: clinical testing. Allele origin: germline. Observed: 1 heterozygote.

Athena Diagnostics
Classification: Uncertain significance. Last evaluated: 2018-04-11. Review status: criteria provided, single submitter. Criteria: Athena Diagnostics Criteria. Collection method: clinical testing. Allele origin: germline.

ITMI
No classification provided. Condition: AllHighlyPenetrant. Last evaluated: 2013-09-19. Review status: no classification provided. Collection method: reference population. Allele origin: germline. Not counted in ClinVar's aggregate classification.
Comment: Please see associated publication for description of ethnicities

Literature cited by the submitters: PubMed 24728327 (cited by ITMI).

NM_014159.7(SETD2):c.1343G>A (p.Arg448Gln)

Gene: SETD2 (SET domain containing 2, histone lysine methyltransferase; minus strand). Cytogenetic location: 3p21.31.
Variant type: single nucleotide variant.
Coding change: c.1343G>A on transcript NM_014159.7 (MANE Select); coding-DNA position 1343, G replaced by A.
Protein change: p.Arg448Gln; replaces arginine 448 with glutamine.
Molecular consequence: missense variant. On other transcripts: non-coding transcript variant (1).
Genome position (GRCh38, 1-based): chr3:47,123,293, C>T on the plus strand (G>A on the coding strand, the complement: SETD2 is on the minus strand). VCF-style: chr3-47123293-C-T. GRCh37 (hg19) VCF-style: chr3-47164783-C-T.
Other names: c.1211G>A, p.Arg404Gln (NM_001349370.3); short protein forms R448Q, R404Q.
Identifiers: ClinVar variation 135225 (VCV000135225.3), dbSNP rs564020755, ClinGen allele CA162068.